The following is an entry in ClinVar:

NM_003482.4(KMT2D):c.11568GCA[8] (p.Gln3861_Gln3863dup)

Gene: KMT2D (lysine methyltransferase 2D; minus strand). Cytogenetic location: 12q13.12.
Variant type: Microsatellite.
Coding change: c.11568GCA[8] on transcript NM_003482.4 (MANE Select); eight copies in a row of the 3-base unit GCA starting at c.11568; the reference has five copies in a row; three copies, 9 bases duplicated.
Protein change: p.Gln3861_Gln3863dup.
Molecular consequence: inframe insertion.
Genome position (GRCh38, 1-based): chr12:49,033,123-49,033,131, TGCTGCTGC duplicated on the plus strand (GCAGCAGCA on the coding strand, the reverse complement: KMT2D is on the minus strand); duplicating any 9 consecutive bases within chr12:49,033,123-49,033,139 gives the same sequence; the position shown is the placement nearest the transcript's 3' end. VCF-style (leftmost placement, unchanged base first): chr12-49033122-T-TTGCTGCTGC. GRCh37 (hg19) VCF-style: chr12-49426905-T-TTGCTGCTGC.
Identifiers: ClinVar variation 1387751 (VCV001387751.8), dbSNP rs748986705, ClinGen allele CA2580615181.
Genomic context (GRCh38, chr12:49,033,122, plus strand): 5'-CATCAGACTCTGCTGAAGATGGGACAGCCCTGCCATGGACCCTTGCTGTTGGTGCTGTTG[T>TTGCTGCTGC]TGCTGCTGCTGCTGCTGGGCTGTGACCAGCCTGTGTCCCATAAGGCCCTGACCCTGCTGT-3'

ClinVar aggregate classification (germline): Uncertain significance (1 of 4 stars; one submission).

Conditions:
Kabuki syndrome. Also called: Kabuki make-up syndrome; NIIKAWA-KUROKI SYNDROME. Identifiers: Orphanet 2322, MedGen C0796004, MONDO:0016512.

Submission:

Labcorp Genetics (formerly Invitae), Labcorp
Classification: Uncertain significance for Kabuki syndrome. Last evaluated: 2024-02-24. Review status: criteria provided, single submitter. Criteria: Invitae Variant Classification Sherloc (09022015). Collection method: clinical testing. Allele origin: germline.
Comment: This variant, c.11574_11582dup, results in the insertion of 3 amino acid(s) of the KMT2D protein (p.Gln3861_Gln3863dup), but otherwise preserves the integrity of the reading frame. This variant is not present in population databases (gnomAD no frequency). This variant has not been reported in the literature in individuals affected with KMT2D-related conditions. Experimental studies and prediction algorithms are not available or were not evaluated, and the functional significance of this variant is currently unknown. In summary, the available evidence is currently insufficient to determine the role of this variant in disease. Therefore, it has been classified as a Variant of Uncertain Significance.